The following is an entry in ClinVar:

ClinVar aggregate classification (germline): Likely benign. Review status: criteria provided, multiple submitters, no conflicts (2 of 4 stars). 4 submissions from 4 submitters: Likely benign (4). Last evaluated 2023-04-28.

Conditions:
Hypertrophic cardiomyopathy. Also called: HYPERTROPHIC MYOCARDIOPATHY. Identifiers: Orphanet 217569, MedGen C0007194, MeSH D002312, MONDO:0005045, HP:0001639.
Cardiomyopathy (CMYO). Also called: Cardiomyopathies. Identifiers: Orphanet 167848, MedGen C0878544, MONDO:0004994, HP:0001638. Inheritance: Various modes of inheritance.

Allele frequency attached by ClinVar (database versions not stated): ExAC 0.00001; gnomAD exomes 0.00001; TOPMed 0.00002.
gnomAD v4.1: 11 of 1,610,994 alleles (0.00068%); highest among the groups gnomAD compares: East Asian, 0.0022%; no homozygotes.

Submissions (4):

All of Us Research Program, National Institutes of Health
Classification: Likely benign for Hypertrophic cardiomyopathy. Last evaluated: 2023-04-28. Review status: criteria provided, single submitter. Criteria: ACMG Guidelines, 2015. Collection method: clinical testing. Allele origin: germline. Inheritance: Autosomal dominant inheritance. Observed: 1 variant allele, 1 heterozygote.
Comment: This study involves interpretation of variants in research participants for the purpose of population health screening. Participant phenotype was not available at the time of variant classification. Additional details can be found in publication PMID: 35346344, PMCID: PMC8962531

Labcorp Genetics (formerly Invitae), Labcorp
Classification: Likely benign for Hypertrophic cardiomyopathy. Last evaluated: 2022-08-20. Review status: criteria provided, single submitter. Criteria: Invitae Variant Classification Sherloc (09022015). Collection method: clinical testing. Allele origin: germline.

Color Diagnostics, LLC DBA Color Health
Classification: Likely benign for Cardiomyopathy. Last evaluated: 2019-12-30. Review status: criteria provided, single submitter. Criteria: ACMG Guidelines, 2015. Collection method: clinical testing. Allele origin: germline.

GeneDx
Classification: Likely benign. Last evaluated: 2016-10-26. Review status: criteria provided, single submitter. Criteria: GeneDx Variant Classification (06012015). Collection method: clinical testing. Allele origin: germline. Affected: yes.
Comment: This variant is considered likely benign or benign based on one or more of the following criteria: it is a conservative change, it occurs at a poorly conserved position in the protein, it is predicted to be benign by multiple in silico algorithms, and/or has population frequency not consistent with disease.

NM_000256.3(MYBPC3):c.2556C>T (p.Ile852=)

Gene: MYBPC3 (myosin binding protein C3; minus strand). Cytogenetic location: 11p11.2.
Variant type: single nucleotide variant.
Coding change: c.2556C>T on transcript NM_000256.3 (MANE Select); coding-DNA position 2556, C replaced by T.
Protein change: p.Ile852=; no amino-acid change (isoleucine 852 retained).
Molecular consequence: synonymous variant.
Genome position (GRCh38, 1-based): chr11:47,337,437, G>A on the plus strand (C>T on the coding strand, the complement: MYBPC3 is on the minus strand). VCF-style: chr11-47337437-G-A. GRCh37 (hg19) VCF-style: chr11-47358988-G-A.
Other names: c.2556C>T, p.Ile852= (LRG_386t1).
Identifiers: ClinVar variation 390308 (VCV000390308.10), dbSNP rs754062873, ClinGen allele CA078809.